The following is an entry in ClinVar:

NM_001111125.3(IQSEC2):c.1436_1603del (p.Leu479_Thr535delinsPro)

Gene: IQSEC2 (IQ motif and Sec7 domain ArfGEF 2; minus strand). Cytogenetic location: Xp11.22.
Variant type: Deletion.
Coding change: c.1436_1603del on transcript NM_001111125.3 (MANE Select); coding-DNA positions 1436 to 1603, 168 bases deleted.
Protein change: p.Leu479_Thr535delinsPro.
Molecular consequence: inframe indel.
Genome position (GRCh38, 1-based): chrX:53,250,973-53,251,140, 168 bases deleted. GRCh37 (hg19): chrX:53,280,155-53,280,322.
Other names: c.821_988del, p.Leu274_Thr330delinsPro (NM_015075.2).
Identifiers: ClinVar variation 538601 (VCV000538601.7), dbSNP rs1556863457, ClinGen allele CA658799752.

ClinVar aggregate classification (germline): Uncertain significance (1 of 4 stars; one submission).

Conditions:
Intellectual developmental disorder, X-linked 1. Also called: MENTAL RETARDATION, X-LINKED 18; MENTAL RETARDATION, X-LINKED 78; Intellectual disability, X-linked 1; Atkin Flaitz Patil Smith syndrome. Identifiers: Orphanet 777, MedGen C2931498, MONDO:0010656, OMIM 309530.

Submission:

Labcorp Genetics (formerly Invitae), Labcorp
Classification: Uncertain significance for Intellectual developmental disorder, X-linked 1. Last evaluated: 2018-01-10. Review status: criteria provided, single submitter. Criteria: Invitae Variant Classification Sherloc (09022015). Collection method: clinical testing. Allele origin: germline.
Comment: This variant is not present in population databases (ExAC no frequency). This variant, c.1436_1603del, results in the deletion of 56 amino acids and inserts 1 amino acid in to the IQSEC2 protein (p.Leu479_Thr535delinsPro), but otherwise preserves the integrity of the reading frame. In summary, the available evidence is currently insufficient to determine the role of this variant in disease. Therefore, it has been classified as a Variant of Uncertain Significance. Experimental studies and prediction algorithms are not available for this variant, and the functional significance of the disrupted amino acids is currently unknown. This variant has not been reported in the literature in individuals with IQSEC2-related disease.